The following is an entry in ClinVar:

NM_002519.3(NPAT):c.19G>A (p.Val7Ile)

Gene: NPAT (nuclear protein, coactivator of histone transcription; minus strand). Cytogenetic location: 11q22.3.
Variant type: single nucleotide variant.
Coding change: c.19G>A on transcript NM_002519.3 (MANE Select); coding-DNA position 19, G replaced by A.
Protein change: p.Val7Ile; replaces valine 7 with isoleucine.
Molecular consequence: missense variant.
Genome position (GRCh38, 1-based): chr11:108,222,518, C>T on the plus strand (G>A on the coding strand, the complement: NPAT is on the minus strand). VCF-style: chr11-108222518-C-T. GRCh37 (hg19) VCF-style: chr11-108093245-C-T.
Other names: c.19G>A, p.Val7Ile (NM_001321307.1); short protein forms V7I.
Identifiers: ClinVar variation 3300634 (VCV003300634.1).

ClinVar aggregate classification (germline): Uncertain significance (1 of 4 stars; one submission).

Submission:

Ambry Genetics
Classification: Uncertain significance. Last evaluated: 2024-06-10. Review status: criteria provided, single submitter. Criteria: Ambry Variant Classification Scheme 2023. Collection method: clinical testing. Allele origin: germline.
Comment: The p.V7I variant (also known as c.19G>A), located in coding exon 1 of the NPAT gene, results from a G to A substitution at nucleotide position 19. The valine at codon 7 is replaced by isoleucine, an amino acid with highly similar properties. This amino acid position is conserved. In addition, this alteration is predicted to be tolerated by in silico analysis. Based on the available evidence, the clinical significance of this variant remains unclear.